The following is an entry in ClinVar:

NM_005216.5(DDOST):c.1242C>T (p.Ser414=)

Gene: DDOST (dolichyl-diphosphooligosaccharide--protein glycosyltransferase non-catalytic subunit; minus strand). Cytogenetic location: 1p36.12.
Variant type: single nucleotide variant.
Coding change: c.1242C>T on transcript NM_005216.5 (MANE Select); coding-DNA position 1242, C replaced by T.
Protein change: p.Ser414=; no amino-acid change (serine 414 retained).
Molecular consequence: synonymous variant.
Genome position (GRCh38, 1-based): chr1:20,652,457, G>A on the plus strand (C>T on the coding strand, the complement: DDOST is on the minus strand). VCF-style: chr1-20652457-G-A. GRCh37 (hg19) VCF-style: chr1-20978950-G-A.
Identifiers: ClinVar variation 510876 (VCV000510876.1), dbSNP rs931915308, ClinGen allele CA18967690.

ClinVar aggregate classification (germline): Likely benign (1 of 4 stars; one submission).

Allele frequency attached by ClinVar (database versions not stated): gnomAD 0.00001; gnomAD exomes 0.00002 and 0.00003; TOPMed 0.00003.

Submission:

GeneDx
Classification: Likely benign. Last evaluated: 2017-07-17. Review status: criteria provided, single submitter. Criteria: GeneDx Variant Classification (06012015). Collection method: clinical testing. Allele origin: germline. Affected: yes.
Comment: This variant is considered likely benign or benign based on one or more of the following criteria: it is a conservative change, it occurs at a poorly conserved position in the protein, it is predicted to be benign by multiple in silico algorithms, and/or has population frequency not consistent with disease.